The following is an entry in ClinVar:

ClinVar aggregate classification (germline): Uncertain significance (1 of 4 stars; one submission).

Conditions:
Inborn genetic diseases. Identifiers: MedGen C0950123, MeSH D030342.

Submission:

Ambry Genetics
Classification: Uncertain significance for Inborn genetic diseases. Last evaluated: 2024-12-16. Review status: criteria provided, single submitter. Criteria: Ambry Variant Classification Scheme 2023. Collection method: clinical testing. Allele origin: germline.
Comment: The p.F153L variant (also known as c.457T>C), located in coding exon 4 of the USB1 gene, results from a T to C substitution at nucleotide position 457. The phenylalanine at codon 153 is replaced by leucine, an amino acid with highly similar properties. This amino acid position is conserved. In addition, this alteration is predicted to be tolerated by in silico analysis. Based on the available evidence, the clinical significance of this variant remains unclear.

NM_024598.4(USB1):c.457T>C (p.Phe153Leu)

Gene: USB1 (U6 snRNA biogenesis phosphodiesterase 1; plus strand). Cytogenetic location: 16q21.
Variant type: single nucleotide variant.
Coding change: c.457T>C on transcript NM_024598.4 (MANE Select); coding-DNA position 457, T replaced by C.
Protein change: p.Phe153Leu; replaces phenylalanine 153 with leucine.
Molecular consequence: missense variant. On other transcripts: intron variant (1).
Genome position (GRCh38, 1-based): chr16:58,014,280, T>C. VCF-style: chr16-58014280-T-C. GRCh37 (hg19) VCF-style: chr16-58048184-T-C.
Other names: c.304T>C, p.Phe102Leu (NM_001330568.2); c.450-3054T>C (NM_001195302.2); short protein forms F153L, F102L.
Identifiers: ClinVar variation 3813862 (VCV003813862.1).
Genomic context (GRCh38, chr16:58,014,280, plus strand): 5'-TTTCTGCTTTTTTTCTTACGATTTTTCCTGAAATATGGTCTTCTAAATTTCAGATTCTTC[T>C]TTACTGCCAACCAGGTAAAGATTTACACCAATCAAGAGAAAACCAGGTGGGTCCTCCCAA-3'
Protein context (NP_078874.2, residues 143-163): ARMTSFHRFF[Phe153Leu]TANQVKIYTN